The following is an entry in ClinVar:

NM_000414.4(HSD17B4):c.249G>A (p.Val83=)

Gene: HSD17B4 (hydroxysteroid 17-beta dehydrogenase 4; plus strand). Cytogenetic location: 5q23.1.
Variant type: single nucleotide variant.
Coding change: c.249G>A on transcript NM_000414.4 (MANE Select); coding-DNA position 249, G replaced by A.
Protein change: p.Val83=; no amino-acid change (valine 83 retained).
Molecular consequence: synonymous variant. On other transcripts: 5 prime UTR variant (6), non-coding transcript variant (2).
Genome position (GRCh38, 1-based): chr5:119,474,429, G>A. VCF-style: chr5-119474429-G-A. GRCh37 (hg19) VCF-style: chr5-118810124-G-A.
Other names: c.324G>A, p.Val108= (NM_001199291.3); c.195G>A, p.Val65= (NM_001199292.2); c.177G>A, p.Val59= (NM_001292027.2); c.-163G>A (NM_001292028.2, NM_001374501.1, NM_001374502.1 and 1 more transcripts); c.249G>A, p.Val83= (NM_001374497.1, NM_001374498.1); c.-32G>A (NM_001374499.1); c.-290G>A (NM_001374500.1); c.249G>A (NM_000414.3).
Identifiers: ClinVar variation 1090485 (VCV001090485.10), dbSNP rs368850124, ClinGen allele CA125858096.

ClinVar aggregate classification (germline): Likely benign. Review status: criteria provided, multiple submitters, no conflicts (2 of 4 stars). 2 submissions from 2 submitters: Likely benign (2). Last evaluated 2026-03-13.

Conditions:
HSD17B4-related disorder. Also called: HSD17B4-related condition; HSD17B4-related disorders.
Perrault syndrome. Also called: Gonadal dysgenesis with auditory dysfunction, autosomal recessive inheritance. Identifiers: Orphanet 2855, MedGen C0685838, MONDO:0017312.
Bifunctional peroxisomal enzyme deficiency (DBIF). Also called: DBP DEFICIENCY; D-bifunctional protein deficiency; PBFE DEFICIENCY. Identifiers: Orphanet 300, MedGen C0342870, MONDO:0009855, OMIM 261515. Disease mechanism: loss of function.

Submissions (2):

PreventionGenetics, part of Exact Sciences
Classification: Likely benign for HSD17B4-related condition. Last evaluated: 2026-03-13. Review status: criteria provided, single submitter. Criteria: ACMG Guidelines, 2015. Collection method: clinical testing. Allele origin: germline.
Comment: This variant is classified as likely benign based on ACMG/AMP sequence variant interpretation guidelines (Richards et al. 2015 PMID: 25741868, with internal and published modifications).

Labcorp Genetics (formerly Invitae), Labcorp
Classification: Likely benign for Perrault syndrome; Bifunctional peroxisomal enzyme deficiency. Last evaluated: 2024-02-25. Review status: criteria provided, single submitter. Criteria: Invitae Variant Classification Sherloc (09022015). Collection method: clinical testing. Allele origin: germline.